The following is an entry in ClinVar:

NM_001374736.1(DST):c.4093C>A (p.Leu1365Ile)

Gene: DST (dystonin; minus strand). Cytogenetic location: 6p12.1.
Variant type: single nucleotide variant.
Coding change: c.4093C>A on transcript NM_001374736.1 (MANE Select); coding-DNA position 4093, C replaced by A.
Protein change: p.Leu1365Ile; replaces leucine 1365 with isoleucine.
Molecular consequence: missense variant.
Genome position (GRCh38, 1-based): chr6:56,631,260, G>T on the plus strand (C>A on the coding strand, the complement: DST is on the minus strand). VCF-style: chr6-56631260-G-T. GRCh37 (hg19) VCF-style: chr6-56496058-G-T.
Other names: c.3994C>A, p.Leu1332Ile (NM_001144769.5); c.3580C>A, p.Leu1194Ile (NM_001144770.2); c.4093C>A, p.Leu1365Ile (NM_001374722.1); c.3460C>A, p.Leu1154Ile (NM_001374729.1, NM_001374730.1, NM_001386100.1 and 1 more transcripts); c.4120C>A, p.Leu1374Ile (NM_001374734.1); c.2482C>A, p.Leu828Ile (NM_001723.7, NM_015548.5); short protein forms L1154I, L1332I, L828I, L1365I, L1374I, L1194I.
Identifiers: ClinVar variation 1385554 (VCV001385554.6), dbSNP rs763852920, ClinGen allele CA3870980.
Genomic context (GRCh38, chr6:56,631,260, plus strand): 5'-CAGTTACATACTTATCTATGTAAGTGGAAGACATAGAATAGACTTGGTTCATGTTCTGAA[G>T]GACCACATTAAGCTCTGATCGTAGGGTAGGGACTGATGAAGAGGCTGCTGCTTGACTGAA-3'
Protein context (NP_001361665.1, residues 1355-1375): PTLRSELNVV[Leu1365Ile]QNMNQVYSMS

ClinVar aggregate classification (germline): Uncertain significance (1 of 4 stars; one submission).

Conditions:
Hereditary sensory and autonomic neuropathy type 6. Also called: HSAN VI; Neuropathy, hereditary sensory and autonomic, type VI. Identifiers: Orphanet 314381, MedGen C3539003, MONDO:0013839, OMIM 614653.
Epidermolysis bullosa simplex 3, localized or generalized intermediate, with BP230 deficiency (EBS3). Also called: Epidermolysis bullosa simplex, autosomal recessive 2; Epidermolysis bullosa simplex due to BP230 deficiency. Identifiers: Orphanet 412181, MedGen C3809470, MONDO:0014180, OMIM 615425.

Allele frequency attached by ClinVar (database versions not stated): ExAC 0.00001; gnomAD exomes 0.00001.
gnomAD v4.1: 13 of 1,613,946 alleles (0.00081%); highest among the groups gnomAD compares: South Asian, 0.014%; no homozygotes.

Submission:

Labcorp Genetics (formerly Invitae), Labcorp
Classification: Uncertain significance for Epidermolysis bullosa simplex 3, localized or generalized intermediate, with BP230 deficiency; Hereditary sensory and autonomic neuropathy type 6. Last evaluated: 2021-10-09. Review status: criteria provided, single submitter. Criteria: Invitae Variant Classification Sherloc (09022015). Collection method: clinical testing. Allele origin: germline.
Comment: In summary, the available evidence is currently insufficient to determine the role of this variant in disease. Therefore, it has been classified as a Variant of Uncertain Significance. Algorithms developed to predict the effect of missense changes on protein structure and function output the following: SIFT: "Tolerated"; PolyPhen-2: "Benign"; Align-GVGD: "Class C0". The isoleucine amino acid residue is found in multiple mammalian species, which suggests that this missense change does not adversely affect protein function. This variant has not been reported in the literature in individuals affected with DST-related conditions. This variant is present in population databases (rs763852920, ExAC 0.006%). This sequence change replaces leucine with isoleucine at codon 828 of the DST protein (p.Leu828Ile). The leucine residue is weakly conserved and there is a small physicochemical difference between leucine and isoleucine.